The following is an entry in ClinVar:

NM_004360.5(CDH1):c.233G>A (p.Gly78Asp)

Gene: CDH1 (cadherin 1; plus strand). Cytogenetic location: 16q22.1.
Variant type: single nucleotide variant.
Coding change: c.233G>A on transcript NM_004360.5 (MANE Select); coding-DNA position 233, G replaced by A.
Protein change: p.Gly78Asp; replaces glycine 78 with aspartic acid.
Molecular consequence: missense variant. On other transcripts: 5 prime UTR variant (2).
Genome position (GRCh38, 1-based): chr16:68,801,739, G>A. VCF-style: chr16-68801739-G-A. GRCh37 (hg19) VCF-style: chr16-68835642-G-A.
Other names: c.233G>A (LRG_301t1); c.233G>A, p.Gly78Asp (NM_001317184.2); c.-1383G>A (NM_001317185.2); c.-1587G>A (NM_001317186.2); short protein forms G78D.
Identifiers: ClinVar variation 140968 (VCV000140968.17), dbSNP rs587781404, ClinGen allele CA164064.
Genomic context (GRCh38, chr16:68,801,739, plus strand): 5'-AAGATTGCACCGGTCGACAAAGGACAGCCTATTTTTCCCTCGACACCCGATTCAAAGTGG[G>A]CACAGATGGTGTGATTACAGTCAAAAGGCCTCTACGGTTTCATAACCCACAGATCCATTT-3'
Protein context (NP_004351.1, residues 68-88): YFSLDTRFKV[Gly78Asp]TDGVITVKRP

ClinVar aggregate classification (germline): Conflicting classifications of pathogenicity. Review status: criteria provided, conflicting classifications (1 of 4 stars). 5 submissions from 5 submitters: Uncertain significance (4); Likely benign (1). Last evaluated 2026-07-30.

Conditions:
Hereditary cancer-predisposing syndrome. Also called: Neoplastic Syndromes, Hereditary; Hereditary Cancer Syndrome; Tumor predisposition; Hereditary neoplastic syndrome. Identifiers: Orphanet 140162, MedGen C0027672, MeSH D009386, MONDO:0015356.
Hereditary diffuse gastric adenocarcinoma (HDGC). Also called: DIFFUSE GASTRIC AND LOBULAR BREAST CANCER SYNDROME. Identifiers: Orphanet 26106, MedGen C1708349, MONDO:0007648, OMIM 137215.

Allele frequency attached by ClinVar (database versions not stated): gnomAD 0.00001; TOPMed 0.00001.
gnomAD v4.1: 2 of 1,614,016 alleles (0.00012%); highest among the groups gnomAD compares: Non-Finnish European, 0.00017%; no homozygotes.

Submissions (5):

Ambry Genetics
Classification: Likely benign for Hereditary cancer-predisposing syndrome. Last evaluated: 2026-07-30. Review status: criteria provided, single submitter. Criteria: Ambry Variant Classification Scheme 2023. Collection method: clinical testing. Allele origin: germline.

Labcorp Genetics (formerly Invitae), Labcorp
Classification: Uncertain significance for Hereditary diffuse gastric adenocarcinoma. Last evaluated: 2025-12-23. Review status: criteria provided, single submitter. Criteria: Invitae Variant Classification Sherloc (09022015). Collection method: clinical testing. Allele origin: germline.
Comment: This sequence change replaces glycine, which is neutral and non-polar, with aspartic acid, which is acidic and polar, at codon 78 of the CDH1 protein (p.Gly78Asp). This variant is not present in population databases (gnomAD no frequency). This missense change has been observed in individual(s) with clinical features of CDH1-related conditions (PMID: 31159747). ClinVar contains an entry for this variant (Variation ID: 140968). An algorithm developed to predict the effect of missense changes on protein structure and function (PolyPhen-2) suggests that this variant is likely to be tolerated. In summary, the available evidence is currently insufficient to determine the role of this variant in disease. Therefore, it has been classified as a Variant of Uncertain Significance.

European Reference Network on Genetic Tumour Risk Syndromes (ERN-GENTURIS), i3s - Instituto de Investigação e Inovação em Saúde, University of Porto
Classification: Uncertain significance for Hereditary diffuse gastric adenocarcinoma. Last evaluated: 2022-08-01. Review status: criteria provided, single submitter. Criteria: Lee et al. (Hum Mutat. 2018). Collection method: clinical testing. Allele origin: germline. Inheritance: Autosomal dominant inheritance. Affected: no. Study: ERN GENTURIS.
Comment: PM2 (PMID: 30311375)

GeneKor MSA
Classification: Uncertain significance for Hereditary cancer-predisposing syndrome. Last evaluated: 2018-08-01. Review status: criteria provided, single submitter. Criteria: ACMG Guidelines, 2015. Collection method: clinical testing. Allele origin: germline. Affected: yes.

PreventionGenetics, part of Exact Sciences
Classification: Uncertain significance. Last evaluated: 2017-02-20. Review status: criteria provided, single submitter. Criteria: ACMG Guidelines, 2015. Collection method: clinical testing. Allele origin: germline.

Literature cited by the submitters: PubMed 30287823 (cited by Ambry Genetics); PubMed 31159747 (cited by Ambry Genetics and Labcorp Genetics (formerly Invitae), Labcorp); PubMed 36436516 (cited by Ambry Genetics and European Reference Network on Genetic Tumour Risk Syndromes (ERN-GENTURIS), i3s - Instituto de Investigação e Inovação em Saúde, University of Porto).